The following is an entry in ClinVar:

ClinVar aggregate classification (germline): Uncertain significance (1 of 4 stars; one submission).

Submission:

Ambry Genetics
Classification: Uncertain significance. Last evaluated: 2026-08-15. Review status: criteria provided, single submitter. Criteria: Ambry Variant Classification Scheme 2023. Collection method: clinical testing. Allele origin: germline.
Comment: The p.T363A variant (also known as c.1087A>G), located in coding exon 8 of the ATRIP gene, results from an A to G substitution at nucleotide position 1087. The threonine at codon 363 is replaced by alanine, an amino acid with similar properties. This amino acid position is conserved. In addition, this alteration is predicted to be tolerated by in silico analysis. Based on the available evidence, the clinical significance of this variant remains unclear.

NM_130384.3(ATRIP):c.1087A>G (p.Thr363Ala)

Genes: ATRIP (ATR interacting protein; plus strand), ATRIP-TREX1 (ATRIP-TREX1 readthrough; plus strand). Cytogenetic location: 3p21.31.
Variant type: single nucleotide variant.
Coding change: c.1087A>G on transcript NM_130384.3 (MANE Select); coding-DNA position 1087, A replaced by G.
Protein change: p.Thr363Ala; replaces threonine 363 with alanine.
Molecular consequence: missense variant. On other transcripts: non-coding transcript variant (1).
Genome position (GRCh38, 1-based): chr3:48,460,141, A>G. VCF-style: chr3-48460141-A-G. GRCh37 (hg19) VCF-style: chr3-48501540-A-G.
Other names: c.808A>G, p.Thr270Ala (NM_001271023.2); c.1087A>G, p.Thr363Ala (NM_032166.4); c.706A>G, p.Thr236Ala (NM_001271022.2); short protein forms T363A, T270A, T236A.
Identifiers: ClinVar variation 5032460 (VCV005032460.1).